The following is an entry in ClinVar:

ClinVar aggregate classification (germline): Uncertain significance (1 of 4 stars; one submission).

Conditions:
Ehlers-Danlos syndrome, classic type, 1 (EDSCL1). Also called: EHLERS-DANLOS SYNDROME, GRAVIS TYPE; EHLERS-DANLOS SYNDROME, SEVERE CLASSIC TYPE; Ehlers-Danlos syndrome, type 1; Ehlers-Danlos Syndrome, Classic Type, COL5A1-Related; EDS I. Identifiers: MedGen C0268335, MONDO:0019567, OMIM 130000.

Allele frequency attached by ClinVar (database versions not stated): gnomAD exomes below 0.00001.
gnomAD v4.1: 1 of 1,613,944 alleles (0.000062%); highest among the groups gnomAD compares: Non-Finnish European, 0.000085%; no homozygotes.

Submission:

Labcorp Genetics (formerly Invitae), Labcorp
Classification: Uncertain significance for Ehlers-Danlos syndrome, classic type, 1. Last evaluated: 2023-10-05. Review status: criteria provided, single submitter. Criteria: Invitae Variant Classification Sherloc (09022015). Collection method: clinical testing. Allele origin: germline.
Comment: This sequence change falls in intron 44 of the COL5A1 gene. It does not directly change the encoded amino acid sequence of the COL5A1 protein. It affects a nucleotide within the consensus splice site. This variant is not present in population databases (gnomAD no frequency). This variant has not been reported in the literature in individuals affected with COL5A1-related conditions. Variants that disrupt the consensus splice site are a relatively common cause of aberrant splicing (PMID: 17576681, 9536098). Algorithms developed to predict the effect of sequence changes on RNA splicing suggest that this variant is not likely to affect RNA splicing. In summary, the available evidence is currently insufficient to determine the role of this variant in disease. Therefore, it has been classified as a Variant of Uncertain Significance.

Literature cited by the submitters: PubMed 17576681; PubMed 9536098.

NM_000093.5(COL5A1):c.3528+5G>A

Gene: COL5A1 (collagen type V alpha 1 chain; plus strand). Cytogenetic location: 9q34.3.
Variant type: single nucleotide variant.
Coding change: c.3528+5G>A on transcript NM_000093.5 (MANE Select); 5 bases into the intron after coding-DNA position 3528, G replaced by A.
Molecular consequence: intron variant.
Genome position (GRCh38, 1-based): chr9:134,810,313, G>A. VCF-style: chr9-134810313-G-A. GRCh37 (hg19) VCF-style: chr9-137702159-G-A.
Other names: c.3528+5G>A (NM_001278074.1).
Identifiers: ClinVar variation 2766078 (VCV002766078.3), dbSNP rs776091024, ClinGen allele CA201086330.